The following is an entry in ClinVar:

NM_152328.5(ADSS1):c.1018G>A (p.Gly340Ser)

Gene: ADSS1 (adenylosuccinate synthase 1; plus strand). Cytogenetic location: 14q32.33.
Variant type: single nucleotide variant.
Coding change: c.1018G>A on transcript NM_152328.5 (MANE Select); coding-DNA position 1018, G replaced by A.
Protein change: p.Gly340Ser; replaces glycine 340 with serine.
Molecular consequence: missense variant.
Genome position (GRCh38, 1-based): chr14:104,743,136, G>A. VCF-style: chr14-104743136-G-A. GRCh37 (hg19) VCF-style: chr14-105209473-G-A.
Other names: c.403G>A, p.Gly135Ser (NM_001320424.1); c.1147G>A, p.Gly383Ser (NM_199165.2); short protein forms G135S, G340S, G383S.
Identifiers: ClinVar variation 1681995 (VCV001681995.5), dbSNP rs989698681, ClinGen allele CA267337252.
Genomic context (GRCh38, chr14:104,743,136, plus strand): 5'-GGCCTGCTGCAGACCCGCGGCCACGAGTGGGGAGTGACCACAGGCAGGAAGAGGCGCTGC[G>A]GCTGGCTCGACCTGATGATTCTAAGATATGCTCACATGGTCAACGGATTCACTGCGTAAG-3'
Protein context (NP_689541.1, residues 330-350): GVTTGRKRRC[Gly340Ser]WLDLMILRYA

ClinVar aggregate classification (germline): Uncertain significance (1 of 4 stars; one submission).

Allele frequency attached by ClinVar (database versions not stated): gnomAD 0.00001; gnomAD exomes 0.00001.
gnomAD v4.1: 28 of 1,612,688 alleles (0.0017%); highest among the groups gnomAD compares: Non-Finnish European, 0.0019%; no homozygotes.

Submission:

Labcorp Genetics (formerly Invitae), Labcorp
Classification: Uncertain significance. Last evaluated: 2022-08-09. Review status: criteria provided, single submitter. Criteria: Invitae Variant Classification Sherloc (09022015). Collection method: clinical testing. Allele origin: germline.
Comment: This variant has not been reported in the literature in individuals affected with ADSSL1-related conditions. ClinVar contains an entry for this variant (Variation ID: 1681995). Algorithms developed to predict the effect of missense changes on protein structure and function are either unavailable or do not agree on the potential impact of this missense change (SIFT: "Not Available"; PolyPhen-2: "Probably Damaging"; Align-GVGD: "Not Available"). In summary, the available evidence is currently insufficient to determine the role of this variant in disease. Therefore, it has been classified as a Variant of Uncertain Significance. This sequence change replaces glycine, which is neutral and non-polar, with serine, which is neutral and polar, at codon 383 of the ADSSL1 protein (p.Gly383Ser). This variant is present in population databases (no rsID available, gnomAD 0.002%).